The following is an entry in ClinVar:

NM_001166160.2(PPP1R9A):c.3236G>A (p.Ser1079Asn)

Gene: PPP1R9A (protein phosphatase 1 regulatory subunit 9A; plus strand). Cytogenetic location: 7q21.3.
Variant type: single nucleotide variant.
Coding change: c.3236G>A on transcript NM_001166160.2 (MANE Select); coding-DNA position 3236, G replaced by A.
Protein change: p.Ser1079Asn; replaces serine 1079 with asparagine.
Molecular consequence: missense variant. On other transcripts: intron variant (2).
Genome position (GRCh38, 1-based): chr7:95,274,108, G>A. VCF-style: chr7-95274108-G-A. GRCh37 (hg19) VCF-style: chr7-94903420-G-A.
Other names: c.3116G>A, p.Ser1039Asn (NM_001166161.1); c.3170G>A, p.Ser1057Asn (NM_001166162.1); c.2757+5401G>A (NM_017650.3, NM_001166163.1); short protein forms S1039N, S1057N, S1079N.
Identifiers: ClinVar variation 3061005 (VCV003061005.2), dbSNP rs2240026, ClinGen allele CA4349877.

ClinVar aggregate classification (germline): Benign (0 of 4 stars; one submission).

Conditions:
PPP1R9A-related disorder. Also called: PPP1R9A-related condition.

Allele frequency attached by ClinVar (database versions not stated): ESP Exome Variant Server 0.07243; gnomAD exomes 0.07637; gnomAD 0.08964; TOPMed 0.09907; ExAC 0.14766; 1000 Genomes Project 30x 0.16162; 1000 Genomes Project 0.16713.
gnomAD v4.1: 123,540 of 1,582,574 alleles (7.8%); highest among the groups gnomAD compares: East Asian, 46%; 8,966 homozygotes.

Submission:

PreventionGenetics, part of Exact Sciences
Classification: Benign for PPP1R9A-related condition. Last evaluated: 2019-10-21. Review status: no assertion criteria provided. Collection method: clinical testing. Allele origin: germline.
Comment: This variant is classified as benign based on ACMG/AMP sequence variant interpretation guidelines (Richards et al. 2015 PMID: 25741868, with internal and published modifications).